The following is an entry in ClinVar:

ClinVar aggregate classification (germline): Likely benign. Review status: criteria provided, multiple submitters, no conflicts (2 of 4 stars). 2 submissions from 2 submitters: Likely benign (2). Last evaluated 2025-09-23.

Conditions:
Tatton-Brown-Rahman overgrowth syndrome. Also called: Tatton-Brown-Rahman syndrome; Tall stature-intellectual disability-facial dysmorphism syndrome. Identifiers: Orphanet 404443, MedGen C4014545, MONDO:0014382, OMIM 615879.
DNMT3A-related disorder. Also called: DNMT3A-related condition; DNMT3A-related disorders.

Allele frequency attached by ClinVar (database versions not stated): TOPMed 0.00004; ESP Exome Variant Server 0.00008; gnomAD exomes below 0.00001; ExAC 0.00002; gnomAD 0.00002.
gnomAD v4.1: 6 of 1,612,942 alleles (0.00037%); highest among the groups gnomAD compares: African/African-American, 0.0053%; no homozygotes.

Submissions (2):

PreventionGenetics, part of Exact Sciences
Classification: Likely benign for DNMT3A-related condition. Last evaluated: 2025-09-23. Review status: criteria provided, single submitter. Criteria: ACMG Guidelines, 2015. Collection method: clinical testing. Allele origin: germline.
Comment: This variant is classified as likely benign based on ACMG/AMP sequence variant interpretation guidelines (Richards et al. 2015 PMID: 25741868, with internal and published modifications).

Labcorp Genetics (formerly Invitae), Labcorp
Classification: Likely benign for Tatton-Brown-Rahman overgrowth syndrome. Last evaluated: 2023-12-21. Review status: criteria provided, single submitter. Criteria: Invitae Variant Classification Sherloc (09022015). Collection method: clinical testing. Allele origin: germline.

NM_022552.5(DNMT3A):c.1015-9T>C

Gene: DNMT3A (DNA methyltransferase 3 alpha; minus strand). Cytogenetic location: 2p23.3.
Variant type: single nucleotide variant.
Coding change: c.1015-9T>C on transcript NM_022552.5 (MANE Select); 9 bases into the intron before coding-DNA position 1015, T replaced by C.
Molecular consequence: intron variant.
Genome position (GRCh38, 1-based): chr2:25,247,167, A>G on the plus strand (T>C on the coding strand, the complement: DNMT3A is on the minus strand). VCF-style: chr2-25247167-A-G. GRCh37 (hg19) VCF-style: chr2-25470036-A-G.
Other names: c.1015-9T>C (NM_175629.2); c.448-9T>C (NM_153759.3); c.559-9T>C (NM_001320893.1); c.346-9T>C (NM_001375819.1).
Identifiers: ClinVar variation 2723254 (VCV002723254.4), dbSNP rs368151491, ClinGen allele CA1556190.